The following is an entry in ClinVar:

ClinVar aggregate classification (germline): Conflicting classifications of pathogenicity. Review status: criteria provided, conflicting classifications (1 of 4 stars). 9 submissions from 9 submitters: Pathogenic (1); Likely pathogenic (5); Uncertain significance (3). Last evaluated 2026-06-03.

Conditions:
Familial thoracic aortic aneurysm and aortic dissection (TAAD). Also called: Thoracic aortic aneurysms and dissections. Identifiers: Orphanet 91387, MedGen C4707243, MONDO:0019625.
SMAD3-related disorder. Also called: SMAD3-related condition.
Cardiovascular phenotype. Identifiers: MedGen CN230736.
Aneurysm-osteoarthritis syndrome. Also called: SMAD3-Related Loeys-Dietz Syndrome; Loeys-Dietz syndrome, type 1C; ANEURYSMS-OSTEOARTHRITIS SYNDROME; LOEYS-DIETZ SYNDROME WITH OSTEOARTHRITIS. Identifiers: Orphanet 284984, MedGen C3151087, MONDO:0013426, OMIM 613795.

Allele frequency attached by ClinVar (database versions not stated): gnomAD 0.00001; TOPMed 0.00001.
gnomAD v4.1: 2 of 1,612,924 alleles (0.00012%); highest among the groups gnomAD compares: Non-Finnish European, 0.000085%; no homozygotes.

Submissions (9):

Ambry Genetics
Classification: Likely pathogenic for Familial thoracic aortic aneurysm and aortic dissection. Last evaluated: 2026-06-03. Review status: criteria provided, single submitter. Criteria: Ambry Variant Classification Scheme 2023. Collection method: clinical testing. Allele origin: germline.
Comment: The p.R74W variant (also known as c.220C>T), located in coding exon 2 of the SMAD3 gene, results from a C to T substitution at nucleotide position 220. The arginine at codon 74 is replaced by tryptophan, an amino acid with dissimilar properties. This variant was reported in individual(s) with features consistent with Loeys-Dietz syndrome (Hicks KL et al. J Vasc Surg, 2018 Sep;68:701-711; Richter JE et al. Medicina (Kaunas), 2019 May;55:; Ambry internal data). Another variant at the same codon, p.R74Q (c.221G>A), has been identified in individual(s) with features consistent with Loeys-Dietz syndrome (Schepers D et al. Hum Mutat, 2018 05;39:621-634). This missense variant is located in a region that has a low rate of benign missense variation (Lek M et al. Nature. 2016 Aug 18;536(7616):285-91; DECIPHER: Database of Chromosomal Imbalance and Phenotype in Humans using Ensembl Resources. Firth H.V. et al. 2009. Am.J.Hum.Genet. 84, 524-533 (DOI)). This amino acid position is highly conserved in available vertebrate species. In addition, this alteration is predicted to be deleterious by in silico analysis. This variant is considered to be rare based on population cohorts in the Genome Aggregation Database (gnomAD). Based on the majority of available evidence to date, this variant is likely to be pathogenic.

GeneDx
Classification: Uncertain significance. Last evaluated: 2025-09-25. Review status: criteria provided, single submitter. Criteria: GeneDx Variant Classification Process June 2021. Collection method: clinical testing. Allele origin: germline. Affected: yes.
Comment: Observed in an individual with TAAD and an individual with features of Loeys-Dietz syndrome type 3 (LDS3) who also harbored an additional cardiogenetic variant in the published literature (PMID: 29510914, 31096651); Not observed at significant frequency in large population cohorts (gnomAD); In silico analysis supports that this missense variant has a deleterious effect on protein structure/function; This variant is associated with the following publications: (PMID: 31096651, 29510914, 39472908, 34434896)

Labcorp Genetics (formerly Invitae), Labcorp
Classification: Pathogenic for Familial thoracic aortic aneurysm and aortic dissection. Last evaluated: 2025-09-07. Review status: criteria provided, single submitter. Criteria: Invitae Variant Classification Sherloc (09022015). Collection method: clinical testing. Allele origin: germline.
Comment: This sequence change replaces arginine, which is basic and polar, with tryptophan, which is neutral and slightly polar, at codon 74 of the SMAD3 protein (p.Arg74Trp). This variant is not present in population databases (gnomAD no frequency). This missense change has been observed in individuals with SMAD3-related conditions (PMID: 29510914, 31096651; internal data). ClinVar contains an entry for this variant (Variation ID: 502012). Invitae Evidence Modeling incorporating data from in vitro experimental studies (internal data) indicates that this missense variant is expected to disrupt SMAD3 function with a positive predictive value of 95%. For these reasons, this variant has been classified as Pathogenic.

Molecular Diagnostic Laboratory for Inherited Cardiovascular Disease, Montreal Heart Institute
Classification: Uncertain significance for Cardiovascular phenotype. Last evaluated: 2025-04-09. Review status: criteria provided, single submitter. Criteria: ACMG Guidelines, 2015. Collection method: clinical testing. Allele origin: germline. Affected: yes.

Blueprint Genetics
Classification: Likely pathogenic for SMAD3-related disorders. Last evaluated: 2024-11-12. Review status: criteria provided, single submitter. Criteria: ACMG Guidelines, 2015. Collection method: clinical testing. Allele origin: germline. Affected: yes. Observed: 2 variant alleles.

All of Us Research Program, National Institutes of Health
Classification: Likely pathogenic for Aneurysm-osteoarthritis syndrome. Last evaluated: 2024-09-23. Review status: criteria provided, single submitter. Criteria: ACMG Guidelines, 2015. Collection method: clinical testing. Allele origin: germline. Inheritance: Autosomal dominant inheritance. Observed: 2 variant alleles, 2 heterozygotes.
Comment: This missense variant replaces arginine with tryptophan at codon 74 in the MH1 DNA binding domain of the SMAD3 protein. Computational prediction suggests that this variant may have a deleterious impact on protein structure and function (internally defined REVEL score threshold >= 0.7, PMID: 27666373). A functional study has shown that this variant does not alter SMAD3 protein expression levels, but does cause decreased cell survival and lack of downstream target gene expression (PMID: 34434896). This variant has been reported in two individuals affected with Loeys-Dietz syndrome (PMID: 31096651; communication with an external laboratory; ClinVar SCV000825693.5), in an individual affected with familial thoracic aortic dissection and aneurysm (PMID: 29510914), and in an individual affected with isolated thoracic aortic dissection and aneurysm (Color internal data). This variant has not been identified in the general population by the Genome Aggregation Database (gnomAD). A different variant affecting the same codon, p.Arg74Gln, is considered to be disease-causing (ClinVar variation ID: 623872), suggesting that arginine at this position is important for SMAD3 protein function. Based on the available evidence, this variant is classified as Likely Pathogenic.

This study involves interpretation of variants in research participants for the purpose of population health screening. Participant phenotype was not available at the time of variant classification. Additional details can be found in publication PMID: 35346344, PMCID: PMC8962531

Color Diagnostics, LLC DBA Color Health
Classification: Likely pathogenic for Familial thoracic aortic aneurysm and aortic dissection. Last evaluated: 2024-04-10. Review status: criteria provided, single submitter. Criteria: ACMG Guidelines, 2015. Collection method: clinical testing. Allele origin: germline.
Comment: This missense variant replaces arginine with tryptophan at codon 74 in the MH1 DNA binding domain of the SMAD3 protein. Computational prediction suggests that this variant may have a deleterious impact on protein structure and function. A functional study has shown that this variant does not alter SMAD3 protein expression levels, but does cause decreased cell survival and lack of downstream target gene expression (PMID: 34434896). This variant has been reported in two individuals affected with Loeys-Dietz syndrome (PMID: 31096651; communication with an external laboratory; ClinVar SCV000825693.5), in an individual affected with familial thoracic aortic dissection and aneurysm (PMID: 29510914), and in an individual affected with isolated thoracic aortic dissection and aneurysm (Color internal data). This variant has not been identified in the general population by the Genome Aggregation Database (gnomAD). A different variant affecting the same codon, p.Arg74Gln, is considered to be disease-causing (ClinVar variation ID: 623872), suggesting that arginine at this position is important for SMAD3 protein function. Based on the available evidence, this variant is classified as Likely Pathogenic.

Eurofins Ntd Llc (ga)
Classification: Uncertain significance. Last evaluated: 2017-05-17. Review status: criteria provided, single submitter. Criteria: EGL Classification Definitions 2015. Collection method: clinical testing. Allele origin: germline. Observed: 1 variant allele, 1 heterozygote.

Clinical Genetics Service, Universitary Hospital 12 de Octubre
Classification: Likely pathogenic for Aneurysm-osteoarthritis syndrome. Review status: criteria provided, single submitter. Criteria: ACMG Guidelines, 2015. Collection method: clinical testing. Allele origin: germline. Affected: yes.

Literature cited by the submitters: PubMed 29510914 (cited by 4 submitters); PubMed 31096651 (cited by 4 submitters); PubMed 34434896 (cited by All of Us Research Program, National Institutes of Health and Color Diagnostics, LLC DBA Color Health).

NM_005902.4(SMAD3):c.220C>T (p.Arg74Trp)

Gene: SMAD3 (SMAD family member 3; plus strand). Cytogenetic location: 15q22.33.
Variant type: single nucleotide variant.
Coding change: c.220C>T on transcript NM_005902.4 (MANE Select); coding-DNA position 220, C replaced by T.
Protein change: p.Arg74Trp; replaces arginine 74 with tryptophan.
Molecular consequence: missense variant. On other transcripts: 5 prime UTR variant (1).
Genome position (GRCh38, 1-based): chr15:67,164,908, C>T. VCF-style: chr15-67164908-C-T. GRCh37 (hg19) VCF-style: chr15-67457246-C-T.
Other names: c.-96C>T (NM_001145102.2); c.88C>T, p.Arg30Trp (NM_001145103.2); short protein forms R74W, R30W.
Identifiers: ClinVar variation 502012 (VCV000502012.29), dbSNP rs1343295267, ClinGen allele CA392953479.
Genomic context (GRCh38, chr15:67,164,908, plus strand): 5'-GCACAATCCACATTTCCCTCTCTTTCTGCCCCTCCCCGTCCTGGCAGGTCCCTGGATGGC[C>T]GGTTGCAGGTGTCCCATCGGAAGGGGCTCCCTCATGTCATCTACTGCCGCCTGTGGCGAT-3'
Protein context (NP_005893.1, residues 64-84): CITIPRSLDG[Arg74Trp]LQVSHRKGLP